The following is an entry in ClinVar:

NM_000218.3(KCNQ1):c.1892_1911del (p.Pro631fs)

Genes: KCNQ1 (potassium voltage-gated channel subfamily Q member 1; plus strand), KCNQ1-AS1 (KCNQ1 antisense RNA 1; minus strand). Cytogenetic location: 11p15.4.
Variant type: Deletion.
Coding change: c.1892_1911del on transcript NM_000218.3 (MANE Select); coding-DNA positions 1892 to 1911, 20 bases deleted (CCAGAGAGGGCGGGGCCCAC).
Protein change: p.Pro631fs; shifts the reading frame from proline 631.
Molecular consequence: frameshift variant.
Genome position (GRCh38, 1-based): chr11:2,847,864-2,847,883, CCAGAGAGGGCGGGGCCCAC deleted; deleting any 20 consecutive bases within chr11:2,847,863-2,847,883 gives the same sequence; the c. name uses the placement nearest the transcript's 3' end. VCF-style (leftmost placement, unchanged base first): chr11-2847862-CCCCAGAGAGGGCGGGGCCCA-C. GRCh37 (hg19) VCF-style: chr11-2869092-CCCCAGAGAGGGCGGGGCCCA-C.
Other names: c.1892_1911delCCAGAGAGGGCGGGGCCCAC (NM_000218.2); c.1892_1911del20, p.Pro631Hisfs (NM_000218.2); c.1796_1815del20, p.Pro599Hisfs (NM_001406836.1); c.1622_1641del20, p.Pro541Hisfs (NM_001406837.1); c.1352_1371del20, p.Pro451Hisfs (NM_001406838.1); c.404_423del20, p.Pro135Hisfs (NM_001406839.1); c.1511_1530del20, p.Pro504Hisfs (NM_181798.2); short protein forms P631fs, P504fs.
Identifiers: ClinVar variation 53025 (VCV000053025.56), dbSNP rs397508103, ClinGen allele CA006551.
Genomic context (GRCh38, chr11:2,847,862, plus strand): 5'-CGACATGCTTCACCAGCTGCTCTCCTTGCACGGTGGCAGCACCCCCGGCAGCGGCGGCCC[CCCCAGAGAGGGCGGGGCCCA>C]CATCACCCAGCCCTGCGGCAGTGGCGGCTCCGTCGACCCTGAGCTCTTCCTGCCCAGCAA-3'

ClinVar aggregate classification (germline): Pathogenic/Likely pathogenic. Review status: criteria provided, multiple submitters, no conflicts (2 of 4 stars). 11 submissions from 11 submitters: Pathogenic (1); Likely pathogenic (7). 3 of the submissions do not count toward it. Last evaluated 2026-02-16.

Conditions:
KCNQ1-related disorder. Also called: KCNQ1-related condition; KCNQ1-related disorders. Identifiers: MedGen CN239322.
Cardiovascular phenotype. Identifiers: MedGen CN230736.
Cardiac arrhythmia. Also called: Cardiac rhythm disease; Arrhythmia. Identifiers: MedGen C0003811, MONDO:0007263, HP:0011675.
Long QT syndrome 1 (LQT1). Identifiers: Orphanet 101016, Orphanet 768, MedGen C4551647, MONDO:0100316, OMIM 192500, MONDO:0008646.
Jervell and Lange-Nielsen syndrome 1 (JLNS1). Also called: CARDIOAUDITORY SYNDROME OF JERVELL AND LANGE-NIELSEN; DEAFNESS, CONGENITAL, AND FUNCTIONAL HEART DISEASE; PROLONGED QT INTERVAL IN EKG AND SUDDEN DEATH; SURDO-CARDIAC SYNDROME. Identifiers: Orphanet 768, Orphanet 90647, MedGen C4551509, MONDO:0024540, OMIM 220400.
Atrial fibrillation, familial, 3 (ATFB3). Identifiers: MedGen C1837014, MONDO:0011857, OMIM 607554.
Beckwith-Wiedemann syndrome (BWS). Also called: EMG SYNDROME; Exomphalos macroglossia gigantism syndrome. Identifiers: Orphanet 116, MedGen C0004903, MONDO:0007534, OMIM 130650.
Short QT syndrome type 2. Identifiers: Orphanet 51083, MedGen C1865019, MONDO:0012313, OMIM 609621.
Long QT syndrome (LQTS). Identifiers: MedGen C0023976, MeSH D008133, MONDO:0002442. Disease mechanism: loss of function. Inheritance: Various modes of inheritance.

Submissions (11):

Institute of Human Genetics, University of Leipzig Medical Center
Classification: Likely pathogenic for Long QT syndrome 1. Last evaluated: 2026-02-16. Review status: criteria provided, single submitter. Criteria: ACMG Guidelines, 2015. Collection method: clinical testing. Allele origin: paternal. Inheritance: Autosomal dominant inheritance. Affected: yes.
Comment: Criteria applied: PS4,PVS1_SUP,PM2_SUP

Labcorp Genetics (formerly Invitae), Labcorp
Classification: Pathogenic for Long QT syndrome. Last evaluated: 2025-12-26. Review status: criteria provided, single submitter. Criteria: Invitae Variant Classification Sherloc (09022015). Collection method: clinical testing. Allele origin: germline.
Comment: This sequence change creates a premature translational stop signal (p.Pro631Hisfs*14) in the KCNQ1 gene. While this is not anticipated to result in nonsense mediated decay, it is expected to disrupt the last 46 amino acid(s) of the KCNQ1 protein. This variant is not present in population databases (gnomAD no frequency). This premature translational stop signal has been observed in individual(s) with Jervell and Lange-Nielsen syndrome (PMID: 10024302). This variant is also known as 1892del20. ClinVar contains an entry for this variant (Variation ID: 53025). This variant disrupts a region of the KCNQ1 protein in which other variant(s) (p.Arg632Glufs*34, p.Arg632Lysfs*20) have been determined to be pathogenic (PMID: 16414944, 22739119; internal data). This suggests that this is a clinically significant region of the protein, and that variants that disrupt it are likely to be disease-causing. For these reasons, this variant has been classified as Pathogenic.

Ambry Genetics
Classification: Likely pathogenic for Cardiovascular phenotype. Last evaluated: 2025-06-06. Review status: criteria provided, single submitter. Criteria: Ambry Variant Classification Scheme 2023. Collection method: clinical testing. Allele origin: germline.
Comment: The c.1892_1911del20 variant, located in coding exon 16 of the KCNQ1 gene, results from a deletion of 20 nucleotides at nucleotide positions 1892 to 1911, causing a translational frameshift with a predicted alternate stop codon (p.P631Hfs*14). This frameshift occurs at the 3' terminus of KCNQ1, is not expected to trigger nonsense-mediated mRNA decay, and impacts only the last 46 amino acids of the protein. However, this alteration has been previously reported in long QT syndrome cohorts (Itoh H et al. Eur. J. Hum. Genet., 2016 08;24:1160-6; Samol A et al. PLoS ONE, 2016 Jul;11:e0158085). This deletion allele has also been detected in the heterozygous state in a patient with autosomal recessive Jervell and Lange-Nielsen syndrome, though a second KCNQ1 alteration was not identified (Neyroud N et al. Circ. Res., 1999 Feb;84:290-7). In addition, there is a putative endoplasmic reticulum (ER) retention signal located in the 3' terminus of this alteration that is not present in wild-type KCNQ1; the presence of similar ER retention signals in another frameshift alteration (p.R632Qfs*20) has been shown to result in a trafficking defect (Sato A et al. J. Biol. Chem., 2009 Dec;284:35122-33; Ambry Internal data). This variant is considered to be rare based on population cohorts in the Genome Aggregation Database (gnomAD). Based on the majority of available evidence to date, this variant is likely to be pathogenic.

CeGaT Center for Human Genetics Tuebingen
Classification: Likely pathogenic. Last evaluated: 2023-11-01. Review status: criteria provided, single submitter. Criteria: CeGaT Center For Human Genetics Tuebingen Variant Classification Criteria Version 2. Collection method: clinical testing. Allele origin: germline. Affected: yes. Observed: 2 variant alleles.
Comment: KCNQ1: PM2, PS4:Moderate, PVS1:Moderate

All of Us Research Program, National Institutes of Health
Classification: Likely pathogenic for Long QT syndrome. Last evaluated: 2023-04-10. Review status: criteria provided, single submitter. Criteria: ACMG Guidelines, 2015. Collection method: clinical testing. Allele origin: germline. Inheritance: Autosomal dominant inheritance. Observed: 1 variant allele, 1 heterozygote.
Comment: This variant deletes 20 nucleotides in exon 16 of the KCNQ1 gene, creating a frameshift in the last exon. The mutant transcript is expected to escape nonsense-mediated decay and be expressed as a protein product containing altered C-terminal sequence. To our knowledge, functional studies have not been reported for this variant. This variant has been reported in a few unrelated individuals affected with long QT syndrome (PMID: 26669661, 27379800, 32893267). This variant has also been observed in compound heterozygous state in two unrelated individuals, one affected with Jervell and Lange-Nielsen syndrome (PMID: 10024302) and the other affected with early-onset sudden cardiac arrest, ventricular fibrillation, congenital deafness, and with a family history of long QT syndrome (communication with an external laboratory; ClinVar SCV002719171.1). This variant has not been identified in the general population by the Genome Aggregation Database (gnomAD). Truncation variants occurring downstream of this variant are known to cause long QT syndrome (ClinVar). One of these variants, p.Arg632Glnfs*20 (ClinVar variation ID 53027), has been shown to cause protein trafficking defect due to endoplasmic reticulum (ER) retention signal introduced by the frameshift. A similar ER retention signal is also present in the variant p.Pro631Hisfs*14. Based on the available evidence, this variant is classified as Likely Pathogenic.

This study involves interpretation of variants in research participants for the purpose of population health screening. Participant phenotype was not available at the time of variant classification. Additional details can be found in publication PMID: 35346344, PMCID: PMC8962531

Color Diagnostics, LLC DBA Color Health
Classification: Likely pathogenic for Cardiac arrhythmia. Last evaluated: 2023-01-26. Review status: criteria provided, single submitter. Criteria: ACMG Guidelines, 2015. Collection method: clinical testing. Allele origin: germline.
Comment: This variant deletes 20 nucleotides in exon 16 of the KCNQ1 gene, creating a frameshift in the last exon. The mutant transcript is expected to escape nonsense-mediated decay and be expressed as a protein product containing altered C-terminal sequence. To our knowledge, functional studies have not been reported for this variant. This variant has been reported in a few unrelated individuals affected with long QT syndrome (PMID: 26669661, 27379800, 32893267). This variant has also been observed in compound heterozygous state in two unrelated individuals, one affected with Jervell and Lange-Nielsen syndrome (PMID: 10024302) and the other affected with early-onset sudden cardiac arrest, ventricular fibrillation, congenital deafness, and with a family history of long QT syndrome (communication with an external laboratory; ClinVar SCV002719171.1). This variant has not been identified in the general population by the Genome Aggregation Database (gnomAD). Truncation variants occurring downstream of this variant are known to cause long QT syndrome (ClinVar). One of these variants, p.Arg632GlnfsTer20 (ClinVar variation ID 53027), has been shown to cause a protein trafficking defect due to endoplasmic reticulum (ER) retention signal introduced by the frameshift. A similar ER retention signal is also present in the variant p.Pro631HisfsTer14. Based on the available evidence, this variant is classified as Likely Pathogenic.

Fulgent Genetics
Classification: Likely pathogenic for Beckwith-Wiedemann syndrome; Long QT syndrome 1; Jervell and Lange-Nielsen syndrome 1; Atrial fibrillation, familial, 3; Short QT syndrome type 2. Last evaluated: 2021-09-12. Review status: criteria provided, single submitter. Criteria: ACMG Guidelines, 2015. Collection method: clinical testing. Allele origin: unknown.

Blueprint Genetics
Classification: Likely pathogenic for KCNQ1-related disorders. Last evaluated: 2017-08-11. Review status: criteria provided, single submitter. Criteria: ACMG Guidelines, 2015. Collection method: clinical testing. Allele origin: germline. Affected: yes. Observed: 1 variant allele.

PreventionGenetics, part of Exact Sciences
Classification: Pathogenic for KCNQ1-related condition. Last evaluated: 2023-12-04. Review status: no assertion criteria provided. Collection method: clinical testing. Allele origin: germline. Not counted in ClinVar's aggregate classification.
Comment: The KCNQ1 c.1892_1911del20 variant is predicted to result in a frameshift and premature protein termination (p.Pro631Hisfs*14). This variant was reported in multiple individuals with long QT syndrome (Table S1, Itoh et al. 2015. PubMed ID: 26669661; Samol et al. 2016. PubMed ID: 27379800; Table S4, Walsh et al. 2021. PubMed ID: 32893267). This variant was also reported in an individual with Jervell and Lange-Nielsen syndrome; however, a second plausible causative variant was not identified (described as 1892del20, Neyroud et al. 1999. PubMed ID: 10024302). This variant has not been reported in a large population database, indicating this variant is rare. This variant is located in the terminal exon and nearby frameshift variants have been documented in individuals with long QT syndrome (Napolitano et al. 2005. PubMed ID: 16414944). Taken together, this variant is interpreted as pathogenic.

OMIM
Classification: Pathogenic for JERVELL AND LANGE-NIELSEN SYNDROME 1. Last evaluated: 1999-02-19. Review status: no assertion criteria provided. Collection method: literature only. Allele origin: germline. Not counted in ClinVar's aggregate classification.

GeneDx
No classification provided. Review status: no classification provided. Criteria: GeneDx Variant Classification (06012015). Collection method: clinical testing. Allele origin: germline. Affected: yes. Not counted in ClinVar's aggregate classification.
Comment: The c.1892_1911del pathogenic variant in the KCNQ1 gene has been reported in one family with Jervell Lange-Nielsen syndrome (JLNS) (Neyroud et al., 1999). Neyroud et al. reported c.1892_1911del (denoted 1892del20 due to alternate nomenclature) in one family where this variant was paternally inherited; no second variant was identified in the proband. This variant causes a shift in reading frame starting at codon Proline 631, changing it to a Histidine, and creating a premature stop codon at position 14 of the new reading frame, denoted p.Pro631HisfsX14. This variant is expected to result in either an abnormal, truncated protein product or loss of protein from this allele through nonsense-mediated mRNA decay. Other frameshift variants in the KCNQ1 gene have been reported in association with LQTS and JLNS.

Literature cited by the submitters: PubMed 10024302 (cited by 5 submitters); PubMed 16414944 (cited by Labcorp Genetics (formerly Invitae), Labcorp); PubMed 22739119 (cited by Labcorp Genetics (formerly Invitae), Labcorp); PubMed 19825999 (cited by Ambry Genetics); PubMed 22727609 (cited by Ambry Genetics); PubMed 26669661 (cited by 3 submitters); PubMed 27379800 (cited by 3 submitters); PubMed 32893267 (cited by All of Us Research Program, National Institutes of Health and Color Diagnostics, LLC DBA Color Health).